The following is an entry in ClinVar:

ClinVar aggregate classification (germline): Conflicting classifications of pathogenicity. Review status: criteria provided, conflicting classifications (1 of 4 stars). 3 submissions from 3 submitters: Uncertain significance (2); Likely benign (1). Last evaluated 2024-08-29.

Conditions:
Alstrom syndrome (ALMS). Identifiers: Orphanet 64, MedGen C0268425, MONDO:0008763, OMIM 203800.
Cardiovascular phenotype. Identifiers: MedGen CN230736.

Allele frequency attached by ClinVar (database versions not stated): ExAC 0.00002; gnomAD exomes 0.00002; gnomAD 0.00005 and 0.00006.
gnomAD v4.1: 32 of 1,613,666 alleles (0.002%); highest among the groups gnomAD compares: South Asian, 0.0044%; no homozygotes.

Submissions (3):

Blueprint Genetics
Classification: Uncertain significance. Last evaluated: 2024-08-29. Review status: criteria provided, single submitter. Criteria: ACMG Guidelines, 2015. Collection method: clinical testing. Allele origin: germline.

Ambry Genetics
Classification: Likely benign for Cardiovascular phenotype. Last evaluated: 2024-04-17. Review status: criteria provided, single submitter. Criteria: Ambry Variant Classification Scheme 2023. Collection method: clinical testing. Allele origin: germline.

Labcorp Genetics (formerly Invitae), Labcorp
Classification: Uncertain significance for Alstrom syndrome. Last evaluated: 2022-07-19. Review status: criteria provided, single submitter. Criteria: Invitae Variant Classification Sherloc (09022015). Collection method: clinical testing. Allele origin: germline.
Comment: This sequence change replaces alanine, which is neutral and non-polar, with valine, which is neutral and non-polar, at codon 1316 of the ALMS1 protein (p.Ala1316Val). This variant is present in population databases (rs750671777, gnomAD 0.006%). This variant has not been reported in the literature in individuals affected with ALMS1-related conditions. ClinVar contains an entry for this variant (Variation ID: 1418761). Experimental studies and prediction algorithms are not available or were not evaluated, and the functional significance of this variant is currently unknown. In summary, the available evidence is currently insufficient to determine the role of this variant in disease. Therefore, it has been classified as a Variant of Uncertain Significance.

NM_001378454.1(ALMS1):c.3944C>T (p.Ala1315Val)

Gene: ALMS1 (ALMS1 centrosome and basal body associated protein; plus strand). Cytogenetic location: 2p13.1.
Variant type: single nucleotide variant.
Coding change: c.3944C>T on transcript NM_001378454.1 (MANE Select); coding-DNA position 3944, C replaced by T.
Protein change: p.Ala1315Val; replaces alanine 1315 with valine.
Molecular consequence: missense variant.
Genome position (GRCh38, 1-based): chr2:73,450,471, C>T. VCF-style: chr2-73450471-C-T. GRCh37 (hg19) VCF-style: chr2-73677598-C-T.
Other names: c.3947C>T, p.Ala1316Val (NM_015120.4); short protein forms A1315V, A1316V.
Identifiers: ClinVar variation 1418761 (VCV001418761.5), dbSNP rs750671777, ClinGen allele CA1713618.